The following is an entry in ClinVar:

NM_025132.4(WDR19):c.815G>A (p.Arg272His)

Gene: WDR19 (WD repeat domain 19; plus strand). Cytogenetic location: 4p14.
Variant type: single nucleotide variant.
Coding change: c.815G>A on transcript NM_025132.4 (MANE Select); coding-DNA position 815, G replaced by A.
Protein change: p.Arg272His; replaces arginine 272 with histidine.
Molecular consequence: missense variant.
Genome position (GRCh38, 1-based): chr4:39,205,661, G>A. VCF-style: chr4-39205661-G-A. GRCh37 (hg19) VCF-style: chr4-39207281-G-A.
Other names: c.335G>A, p.Arg112His (NM_001317924.2); short protein forms R112H, R272H.
Identifiers: ClinVar variation 2147128 (VCV002147128.1), dbSNP rs552334665, ClinGen allele CA2891711.

ClinVar aggregate classification (germline): Uncertain significance (1 of 4 stars; one submission).

Conditions:
Asphyxiating thoracic dystrophy 5 (SRTD5). Also called: SHORT-RIB THORACIC DYSPLASIA 5 WITH OR WITHOUT POLYDACTYLY; SHORT-RIB THORACIC DYSPLASIA 5 WITHOUT POLYDACTYLY. Identifiers: Orphanet 474, MedGen C3280598, MONDO:0013717, OMIM 614376.
Senior-Loken syndrome 8 (SLSN8). Identifiers: Orphanet 3156, MedGen C4225376, MONDO:0014579, OMIM 616307.

Allele frequency attached by ClinVar (database versions not stated): TOPMed below 0.00001; gnomAD 0.00001; gnomAD exomes 0.00002; ExAC 0.00005; 1000 Genomes Project 30x 0.00016; 1000 Genomes Project 0.00020.
gnomAD v4.1: 38 of 1,612,040 alleles (0.0024%); highest among the groups gnomAD compares: South Asian, 0.0088%; no homozygotes.

Submission:

Labcorp Genetics (formerly Invitae), Labcorp
Classification: Uncertain significance for Senior-Loken syndrome 8; Asphyxiating thoracic dystrophy 5. Last evaluated: 2022-05-21. Review status: criteria provided, single submitter. Criteria: Invitae Variant Classification Sherloc (09022015). Collection method: clinical testing. Allele origin: germline.
Comment: This sequence change replaces arginine, which is basic and polar, with histidine, which is basic and polar, at codon 272 of the WDR19 protein (p.Arg272His). This variant is present in population databases (rs552334665, gnomAD 0.01%). This variant has not been reported in the literature in individuals affected with WDR19-related conditions. Algorithms developed to predict the effect of missense changes on protein structure and function output the following: SIFT: "Tolerated"; PolyPhen-2: "Benign"; Align-GVGD: "Class C0". The histidine amino acid residue is found in multiple mammalian species, which suggests that this missense change does not adversely affect protein function. In summary, the available evidence is currently insufficient to determine the role of this variant in disease. Therefore, it has been classified as a Variant of Uncertain Significance.